The following is an entry in ClinVar:

NM_004183.4(BEST1):c.89A>G (p.Lys30Arg)

Gene: BEST1 (bestrophin 1; plus strand). Cytogenetic location: 11q12.3.
Variant type: single nucleotide variant.
Coding change: c.89A>G on transcript NM_004183.4 (MANE Select); coding-DNA position 89, A replaced by G.
Protein change: p.Lys30Arg; replaces lysine 30 with arginine.
Molecular consequence: missense variant. On other transcripts: non-coding transcript variant (1), intron variant (6).
Genome position (GRCh38, 1-based): chr11:61,951,895, A>G. VCF-style: chr11-61951895-A-G. GRCh37 (hg19) VCF-style: chr11-61719367-A-G.
Other names: c.-29+1468A>G (NM_001139443.3, NM_001300787.2, NM_001440574.1 and 3 more transcripts); c.89A>G, p.Lys30Arg (NM_001440572.1, NM_001440573.1, NM_001363592.2 and 1 more transcripts); short protein forms K30R.
Identifiers: ClinVar variation 99769 (VCV000099769.16), dbSNP rs281865218, ClinGen allele CA227840.

ClinVar aggregate classification (germline): Pathogenic/Likely pathogenic. Review status: criteria provided, multiple submitters, no conflicts (2 of 4 stars). 6 submissions from 6 submitters: Pathogenic (3); Likely pathogenic (2). 1 of the submissions does not count toward it. Last evaluated 2025-11-12.

Conditions:
Retinal dystrophy. Also called: Inherited retinal dystrophy. Identifiers: Orphanet 71862, MedGen C0854723, MeSH D058499, MONDO:0019118, HP:0000556.
Vitelliform macular dystrophy 2. Also called: Best Macular Dystrophy; Best vitelliform macular dystrophy, multifocal; Best Vitelliform Macular Dystrophy (BVMD); MACULAR DEGENERATION, POLYMORPHIC VITELLINE; VITELLIFORM MACULAR DYSTROPHY, EARLY-ONSET; VITELLIFORM MACULAR DYSTROPHY, JUVENILE-ONSET. Identifiers: Orphanet 1243, MedGen C2745945, MONDO:0007931, OMIM 153700.
BEST1-related disorder. Also called: BEST1-related disorders; BEST1-related condition. Identifiers: MedGen CN239200.

Allele frequency attached by ClinVar (database versions not stated): gnomAD exomes below 0.00001; ExAC 0.00001; gnomAD 0.00001; TOPMed 0.00001.
gnomAD v4.1: 1 of 1,613,424 alleles (0.000062%); highest among the groups gnomAD compares: African/African-American, 0.0013%; no homozygotes.

Submissions (6):

Labcorp Genetics (formerly Invitae), Labcorp
Classification: Pathogenic. Last evaluated: 2025-11-12. Review status: criteria provided, single submitter. Criteria: Invitae Variant Classification Sherloc (09022015). Collection method: clinical testing. Allele origin: germline.
Comment: This sequence change replaces lysine, which is basic and polar, with arginine, which is basic and polar, at codon 30 of the BEST1 protein (p.Lys30Arg). This variant is present in population databases (rs281865218, gnomAD 0.0009%). This missense change has been observed in individuals with autosomal dominant Best vitelliform macular dystrophy (PMID: 10798642, 28559085). It has also been observed to segregate with disease in related individuals. ClinVar contains an entry for this variant (Variation ID: 99769). Invitae Evidence Modeling of protein sequence and biophysical properties (such as structural, functional, and spatial information, amino acid conservation, physicochemical variation, residue mobility, and thermodynamic stability) indicates that this missense variant is expected to disrupt BEST1 protein function with a positive predictive value of 95%. This variant disrupts the p.Lys30 amino acid residue in BEST1. Other variant(s) that disrupt this residue have been observed in individuals with BEST1-related conditions (PMID: 21273940), which suggests that this may be a clinically significant amino acid residue. For these reasons, this variant has been classified as Pathogenic.

GeneDx
Classification: Likely pathogenic. Last evaluated: 2024-11-01. Review status: criteria provided, single submitter. Criteria: GeneDx Variant Classification Process June 2021. Collection method: clinical testing. Allele origin: germline. Affected: yes.
Comment: Not observed at significant frequency in large population cohorts (gnomAD); In silico analysis supports that this missense variant has a deleterious effect on protein structure/function; This variant is associated with the following publications: (PMID: 11756879, 10798642, 36528270, 31429209, 27120116, 32421148, 31964843, 34327816, 34253754, 28559085)

Blueprint Genetics
Classification: Pathogenic for BEST1-related disorders. Last evaluated: 2022-10-10. Review status: criteria provided, single submitter. Criteria: ACMG Guidelines, 2015. Collection method: clinical testing. Allele origin: germline. Affected: yes. Observed: 5 variant alleles.

Institute of Human Genetics, Univ. Regensburg, Univ. Regensburg
Classification: Pathogenic for Retinal dystrophy. Last evaluated: 2018-01-01. Review status: criteria provided, single submitter. Criteria: ACMG Guidelines, 2015. Collection method: clinical testing. Allele origin: germline. Affected: yes.

Molecular Diagnostics Laboratory, M Health Fairview: University of Minnesota
Classification: Likely pathogenic for Vitelliform macular dystrophy 2. Last evaluated: 2016-07-16. Review status: criteria provided, single submitter. Criteria: ACMG Guidelines, 2015. Collection method: clinical testing. Allele origin: germline. Affected: yes. Observed: 1 variant allele.

Retina International
No classification provided. Review status: no classification provided. Collection method: not provided. Allele origin: not provided. Not counted in ClinVar's aggregate classification.

Literature cited by the submitters: PubMed 10798642 (cited by 3 submitters); PubMed 28559085 (cited by Labcorp Genetics (formerly Invitae), Labcorp and Institute of Human Genetics, Univ. Regensburg, Univ. Regensburg); PubMed 21273940 (cited by Labcorp Genetics (formerly Invitae), Labcorp); PubMed 31964843 (cited by Institute of Human Genetics, Univ. Regensburg, Univ. Regensburg); PubMed 31429209 (cited by Institute of Human Genetics, Univ. Regensburg, Univ. Regensburg); PubMed 34327816 (cited by Institute of Human Genetics, Univ. Regensburg, Univ. Regensburg); PubMed 11756879 (cited by Molecular Diagnostics Laboratory, M Health Fairview: University of Minnesota).